The following is an entry in ClinVar:

ClinVar aggregate classification (germline): Uncertain significance. Review status: criteria provided, multiple submitters, no conflicts (2 of 4 stars). 3 submissions from 3 submitters: Uncertain significance (2). 1 of the submissions does not count toward it. Last evaluated 2025-02-02.

Conditions:
Epidermolysis bullosa dystrophica inversa, autosomal recessive. Identifiers: MedGen C2673612.

Submissions (3):

Labcorp Genetics (formerly Invitae), Labcorp
Classification: Uncertain significance. Last evaluated: 2025-02-02. Review status: criteria provided, single submitter. Criteria: Invitae Variant Classification Sherloc (09022015). Collection method: clinical testing. Allele origin: germline.
Comment: This variant, c.589_591dup, results in the insertion of 1 amino acid(s) of the COL7A1 protein (p.Phe197dup), but otherwise preserves the integrity of the reading frame. This variant is present in population databases (rs543646523, gnomAD 0.2%). This variant has not been reported in the literature in individuals affected with COL7A1-related conditions. Experimental studies and prediction algorithms are not available or were not evaluated, and the functional significance of this variant is currently unknown. In summary, the available evidence is currently insufficient to determine the role of this variant in disease. Therefore, it has been classified as a Variant of Uncertain Significance.

Breakthrough Genomics
Classification: Uncertain significance. Review status: criteria provided, single submitter. Criteria: ACMG Guidelines, 2015. Collection method: not provided. Allele origin: germline. Inheritance: Autosomal recessive inheritance. Affected: yes.

Natera, Inc.
Classification: Uncertain significance for Autosomal recessive epidermolysis bullosa dystrophica inversa. Last evaluated: 2020-09-03. Review status: no assertion criteria provided. Collection method: clinical testing. Allele origin: germline. Not counted in ClinVar's aggregate classification.

NM_000094.4(COL7A1):c.580TTC[5] (p.Phe197dup)

Gene: COL7A1 (collagen type VII alpha 1 chain; minus strand). Cytogenetic location: 3p21.31.
Variant type: Microsatellite.
Coding change: c.580TTC[5] on transcript NM_000094.4 (MANE Select); five copies in a row of the 3-base unit TTC starting at c.580; the reference has four copies in a row; one copy, 3 bases duplicated.
Protein change: p.Phe197dup; duplicates phenylalanine 197.
Molecular consequence: inframe insertion.
Genome position (GRCh38, 1-based): chr3:48,593,193-48,593,195, GAA duplicated on the plus strand (TTC on the coding strand, the reverse complement: COL7A1 is on the minus strand); duplicating any 3 consecutive bases within chr3:48,593,193-48,593,205 gives the same sequence; the position shown is the placement nearest the transcript's 3' end. VCF-style (leftmost placement, unchanged base first): chr3-48593192-C-CGAA. GRCh37 (hg19) VCF-style: chr3-48630625-C-CGAA.
Other names: c.589_591dupTTC (NM_000094.4).
Identifiers: ClinVar variation 990884 (VCV000990884.5), dbSNP rs543646523, ClinGen allele CA2381505.